The following is an entry in ClinVar:

ClinVar aggregate classification (germline): Pathogenic (1 of 4 stars; one submission).

Conditions:
VPS13A-related neurodegenerative disease. Also called: ACANTHOCYTOSIS WITH NEUROLOGIC DISORDER; LEVINE-CRITCHLEY SYNDROME; Choreoacanthocytosis; Chorea-acanthocytosis; Choreaacanthocytosis; VPS13A Disease. Identifiers: Orphanet 2388, MedGen C0393576, MONDO:0008695, OMIM 200150.

Submission:

Myriad Genetics, Inc.
Classification: Pathogenic for VPS13A-related neurodegenerative disease. Last evaluated: 2024-05-14. Review status: criteria provided, single submitter. Criteria: Myriad Autosomal Dominant, Autosomal Recessive and X-Linked Classification Criteria (2023). Collection method: clinical testing. Allele origin: unknown.
Comment: NM_033305.2(VPS13A):c.764_765ins11(I256Tfs*2) is expected to be pathogenic in the context of VPS13A disease. This variant is predicted to lead to an abnormal or absent protein product due to the creation of a premature termination codon in VPS13A, a gene where loss-of-function variants are known to be pathogenic. Please note: this variant was assessed in the context of healthy population screening.

NM_033305.3(VPS13A):c.764_765insTACTTAAAATT (p.Pro255_Ile256insThrTer)

Gene: VPS13A (vacuolar protein sorting 13 homolog A; plus strand). Cytogenetic location: 9q21.2.
Variant type: Insertion.
Coding change: c.764_765insTACTTAAAATT on transcript NM_033305.3 (MANE Select); coding-DNA positions 764 to 765, TACTTAAAATT inserted.
Protein change: p.Pro255_Ile256insThrTer.
Molecular consequence: nonsense.
Genome position: GRCh38 VCF-style: chr9-77219963-C-CTACTTAAAATT. GRCh37 (hg19) VCF-style: chr9-79834879-C-CTACTTAAAATT.
Other names: c.764_765insTACTTAAAATT, p.Pro255_Ile256insThrTer (NM_001018037.2, NM_001018038.3, NM_015186.4).
Identifiers: ClinVar variation 5010463 (VCV005010463.1).